The following is an entry in ClinVar:

ClinVar aggregate classification (germline): Uncertain significance (1 of 4 stars; one submission).

Conditions:
Walker-Warburg congenital muscular dystrophy. Also called: Muscular dystrophy-dystroglycanopathy, type A; Walker-Warburg syndrome. Identifiers: Orphanet 899, MedGen C0265221, MONDO:0000171.

gnomAD v4.1: 5 of 1,512,882 alleles (0.00033%); highest among the groups gnomAD compares: Non-Finnish European, 0.00046%; no homozygotes.

Submission:

Labcorp Genetics (formerly Invitae), Labcorp
Classification: Uncertain significance for Walker-Warburg congenital muscular dystrophy. Last evaluated: 2021-07-22. Review status: criteria provided, single submitter. Criteria: Invitae Variant Classification Sherloc (09022015). Collection method: clinical testing. Allele origin: germline.
Comment: In summary, the available evidence is currently insufficient to determine the role of this variant in disease. Therefore, it has been classified as a Variant of Uncertain Significance. Nucleotide substitutions within the consensus splice site are a relatively common cause of aberrant splicing (PMID: 17576681, 9536098). Algorithms developed to predict the effect of sequence changes on RNA splicing suggest that this variant may disrupt the consensus splice site. This variant has not been reported in the literature in individuals affected with FKTN-related conditions. This variant is not present in population databases (ExAC no frequency). This sequence change affects codon 35 of the FKTN mRNA. It is a 'silent' change, meaning that it does not change the encoded amino acid sequence of the FKTN protein. This variant also falls at the last nucleotide of exon 3, which is part of the consensus splice site for this exon.

Literature cited by the submitters: PubMed 17576681; PubMed 9536098.

NM_001079802.2(FKTN):c.105G>A (p.Lys35=)

Gene: FKTN (fukutin; plus strand). Cytogenetic location: 9q31.2.
Variant type: single nucleotide variant.
Coding change: c.105G>A on transcript NM_001079802.2 (MANE Select); coding-DNA position 105, G replaced by A.
Protein change: p.Lys35=; no amino-acid change (lysine 35 retained).
Molecular consequence: synonymous variant. On other transcripts: 5 prime UTR variant (5), non-coding transcript variant (2).
Genome position (GRCh38, 1-based): chr9:105,575,137, G>A. VCF-style: chr9-105575137-G-A. GRCh37 (hg19) VCF-style: chr9-108337418-G-A.
Other names: c.105G>A, p.Lys35= (NM_001198963.2, NM_001351496.2, NM_001351498.2 and 1 more transcripts); c.-63G>A (NM_001351497.2); c.-410G>A (NM_001351499.2, NM_001351500.2, NM_001351501.2 and 1 more transcripts).
Identifiers: ClinVar variation 1442865 (VCV001442865.4), dbSNP rs751029878, ClinGen allele CA466506535.